The following is an entry in ClinVar:

NM_182914.3(SYNE2):c.6325G>A (p.Ala2109Thr)

Gene: SYNE2 (spectrin repeat containing nuclear envelope protein 2; plus strand). Cytogenetic location: 14q23.2.
Variant type: single nucleotide variant.
Coding change: c.6325G>A on transcript NM_182914.3 (MANE Select); coding-DNA position 6325, G replaced by A.
Protein change: p.Ala2109Thr; replaces alanine 2109 with threonine.
Molecular consequence: missense variant.
Genome position (GRCh38, 1-based): chr14:64,026,651, G>A. VCF-style: chr14-64026651-G-A. GRCh37 (hg19) VCF-style: chr14-64493369-G-A.
Other names: c.6325G>A, p.Ala2109Thr (NM_015180.6); short protein forms A2109T.
Identifiers: ClinVar variation 1362515 (VCV001362515.8), dbSNP rs1342257701, ClinGen allele CA389947537.
Genomic context (GRCh38, chr14:64,026,651, plus strand): 5'-CTGAAGCCTGAAGGGGATGCCAGAATAGAGACCATCATGAAGCAGGCTGAGAGCAGCGAG[G>A]CCCCGCTGGTTCAGAAGACCCTCACTGACATCAGCAACCAGTGGGACAACACACTCCATT-3'
Protein context (NP_878918.2, residues 2099-2119): TIMKQAESSE[Ala2109Thr]PLVQKTLTDI

ClinVar aggregate classification (germline): Uncertain significance (1 of 4 stars; one submission).

Conditions:
Emery-Dreifuss muscular dystrophy 5, autosomal dominant (EDMD5). Also called: EMERY-DREIFUSS MUSCULAR DYSTROPHY 5. Identifiers: Orphanet 261, MedGen C2751805, MONDO:0013072, OMIM 612999.

Allele frequency attached by ClinVar (database versions not stated): TOPMed 0.00001.
gnomAD v4.1: 5 of 1,613,438 alleles (0.00031%); highest among the groups gnomAD compares: Admixed American, 0.0033%; no homozygotes.

Submission:

Labcorp Genetics (formerly Invitae), Labcorp
Classification: Uncertain significance for Emery-Dreifuss muscular dystrophy 5, autosomal dominant. Last evaluated: 2023-12-21. Review status: criteria provided, single submitter. Criteria: Invitae Variant Classification Sherloc (09022015). Collection method: clinical testing. Allele origin: germline.
Comment: This sequence change replaces alanine, which is neutral and non-polar, with threonine, which is neutral and polar, at codon 2109 of the SYNE2 protein (p.Ala2109Thr). This variant is not present in population databases (gnomAD no frequency). This variant has not been reported in the literature in individuals affected with SYNE2-related conditions. ClinVar contains an entry for this variant (Variation ID: 1362515). Algorithms developed to predict the effect of missense changes on protein structure and function output the following: SIFT: "Not Available"; PolyPhen-2: "Benign"; Align-GVGD: "Not Available". The threonine amino acid residue is found in multiple mammalian species, which suggests that this missense change does not adversely affect protein function. In summary, the available evidence is currently insufficient to determine the role of this variant in disease. Therefore, it has been classified as a Variant of Uncertain Significance.